The following is an entry in ClinVar:

ClinVar aggregate classification (germline): Uncertain significance (1 of 4 stars; one submission).

Conditions:
Autosomal dominant nocturnal frontal lobe epilepsy 5. Also called: KCNT1-Related Epilepsy; CILIARY DYSKINESIA, PRIMARY, 28, WITHOUT SITUS INVERSUS; CILIARY DYSKINESIA, PRIMARY, 28, WITH SITUS INVERSUS; Epilepsy, nocturnal frontal lobe, 5. Identifiers: Orphanet 98784, MedGen C3554306, MONDO:0014002, OMIM 615005.
Developmental and epileptic encephalopathy, 14 (DEE14). Also called: Early infantile epileptic encephalopathy 14. Identifiers: Orphanet 293181, MedGen C3554195, MONDO:0013989, OMIM 614959.

Submission:

Labcorp Genetics (formerly Invitae), Labcorp
Classification: Uncertain significance for Autosomal dominant nocturnal frontal lobe epilepsy 5; Developmental and epileptic encephalopathy, 14. Last evaluated: 2022-09-27. Review status: criteria provided, single submitter. Criteria: Invitae Variant Classification Sherloc (09022015). Collection method: clinical testing. Allele origin: germline.
Comment: This variant is not present in population databases (gnomAD no frequency). This variant, c.2520_2522del, results in the deletion of 1 amino acid(s) of the KCNT1 protein (p.Asn840del), but otherwise preserves the integrity of the reading frame. This variant has not been reported in the literature in individuals affected with KCNT1-related conditions. Algorithms developed to predict the effect of sequence changes on RNA splicing suggest that this variant may disrupt the consensus splice site. In summary, the available evidence is currently insufficient to determine the role of this variant in disease. Therefore, it has been classified as a Variant of Uncertain Significance.

NM_020822.3(KCNT1):c.2517CAA[1] (p.Asn840del)

Gene: KCNT1 (potassium sodium-activated channel subfamily T member 1; plus strand). Cytogenetic location: 9q34.3.
Variant type: Microsatellite.
Coding change: c.2517CAA[1] on transcript NM_020822.3 (MANE Select); one copy of the 3-base unit CAA starting at c.2517; the reference has two copies in a row; one copy, 3 bases deleted.
Protein change: p.Asn840del; deletes asparagine 840.
Molecular consequence: inframe deletion.
Genome position (GRCh38, 1-based): chr9:135,777,508-135,777,510, CAA deleted; deleting any 3 consecutive bases within chr9:135,777,504-135,777,510 gives the same sequence; the position shown is the placement nearest the transcript's 3' end. VCF-style (leftmost placement, unchanged base first): chr9-135777503-GACA-G. GRCh37 (hg19) VCF-style: chr9-138669349-GACA-G.
Other names: c.2382CAA[1], p.Asn795del (NM_001272003.2); short protein forms N795del, N840del.
Identifiers: ClinVar variation 1006461 (VCV001006461.9), dbSNP rs1833249937, ClinGen allele CA1883888593.